The following is an entry in ClinVar:

NM_001252102.2(KIF21B):c.3886G>A (p.Ala1296Thr)

Gene: KIF21B (kinesin family member 21B; minus strand). Cytogenetic location: 1q32.1.
Variant type: single nucleotide variant.
Coding change: c.3886G>A on transcript NM_001252102.2 (MANE Select); coding-DNA position 3886, G replaced by A.
Protein change: p.Ala1296Thr; replaces alanine 1296 with threonine.
Molecular consequence: missense variant.
Genome position (GRCh38, 1-based): chr1:200,981,053, C>T on the plus strand (G>A on the coding strand, the complement: KIF21B is on the minus strand). VCF-style: chr1-200981053-C-T. GRCh37 (hg19) VCF-style: chr1-200950181-C-T.
Other names: c.3886G>A, p.Ala1296Thr (NM_001252100.2); c.3847G>A, p.Ala1283Thr (NM_001252103.2, NM_017596.4); short protein forms A1296T, A1283T.
Identifiers: ClinVar variation 2704397 (VCV002704397.3), dbSNP rs1655878067, ClinGen allele CA344122457.

ClinVar aggregate classification (germline): Uncertain significance (1 of 4 stars; one submission).

Allele frequency attached by ClinVar (database versions not stated): TOPMed below 0.00001.

Submission:

Labcorp Genetics (formerly Invitae), Labcorp
Classification: Uncertain significance. Last evaluated: 2023-12-20. Review status: criteria provided, single submitter. Criteria: Invitae Variant Classification Sherloc (09022015). Collection method: clinical testing. Allele origin: germline.
Comment: This sequence change replaces alanine, which is neutral and non-polar, with threonine, which is neutral and polar, at codon 1283 of the KIF21B protein (p.Ala1283Thr). This variant is not present in population databases (gnomAD no frequency). This variant has not been reported in the literature in individuals affected with KIF21B-related conditions. Advanced modeling of protein sequence and biophysical properties (such as structural, functional, and spatial information, amino acid conservation, physicochemical variation, residue mobility, and thermodynamic stability) performed at Invitae indicates that this missense variant is not expected to disrupt KIF21B protein function with a negative predictive value of 80%. In summary, the available evidence is currently insufficient to determine the role of this variant in disease. Therefore, it has been classified as a Variant of Uncertain Significance.